The following is an entry in ClinVar:

ClinVar aggregate classification (germline): Uncertain significance. Review status: criteria provided, multiple submitters, no conflicts (2 of 4 stars). 2 submissions from 2 submitters: Uncertain significance (2). Last evaluated 2025-05-19.

Allele frequency attached by ClinVar (database versions not stated): gnomAD 0.00001; TOPMed 0.00002.
gnomAD v4.1: 3 of 1,597,924 alleles (0.00019%); highest among the groups gnomAD compares: African/African-American, 0.0027%; no homozygotes.

Submissions (2):

GeneDx
Classification: Uncertain significance. Last evaluated: 2025-05-19. Review status: criteria provided, single submitter. Criteria: GeneDx Variant Classification Process June 2021. Collection method: clinical testing. Allele origin: germline. Affected: yes.
Comment: Not observed at significant frequency in large population cohorts (gnomAD); In silico analysis suggests that this missense variant does not alter protein structure/function; Has not been previously published as pathogenic or benign to our knowledge

Labcorp Genetics (formerly Invitae), Labcorp
Classification: Uncertain significance. Last evaluated: 2022-07-19. Review status: criteria provided, single submitter. Criteria: Invitae Variant Classification Sherloc (09022015). Collection method: clinical testing. Allele origin: germline.
Comment: In summary, the available evidence is currently insufficient to determine the role of this variant in disease. Therefore, it has been classified as a Variant of Uncertain Significance. Algorithms developed to predict the effect of sequence changes on RNA splicing suggest that this variant may create or strengthen a splice site. Algorithms developed to predict the effect of missense changes on protein structure and function (SIFT, PolyPhen-2, Align-GVGD) all suggest that this variant is likely to be tolerated. ClinVar contains an entry for this variant (Variation ID: 963539). This variant has not been reported in the literature in individuals affected with SZT2-related conditions. This variant is not present in population databases (gnomAD no frequency). This sequence change replaces aspartic acid, which is acidic and polar, with valine, which is neutral and non-polar, at codon 195 of the SZT2 protein (p.Asp195Val).

NM_001365999.1(SZT2):c.584A>T (p.Asp195Val)

Gene: SZT2 (SZT2 subunit of KICSTOR complex; plus strand). Cytogenetic location: 1p34.2.
Variant type: single nucleotide variant.
Coding change: c.584A>T on transcript NM_001365999.1 (MANE Select); coding-DNA position 584, A replaced by T.
Protein change: p.Asp195Val; replaces aspartic acid 195 with valine.
Molecular consequence: missense variant.
Genome position (GRCh38, 1-based): chr1:43,415,167, A>T. VCF-style: chr1-43415167-A-T. GRCh37 (hg19) VCF-style: chr1-43880838-A-T.
Other names: c.584A>T, p.Asp195Val (NM_015284.4); short protein forms D195V.
Identifiers: ClinVar variation 963539 (VCV000963539.8), dbSNP rs1209315787, ClinGen allele CA340001075.
Genomic context (GRCh38, chr1:43,415,167, plus strand): 5'-ACCCTTCCCAGCGGGAGGTGTTCCTGCAGCAGATATATGAGCAGCTCTGCCTCTTTGAGG[A>T]TAAGGTGGCCACCATGCTGCAGCAGCAGTACGATCCCCAGAGCCAGGTATGTAAGAGAGA-3'
Protein context (NP_001352928.1, residues 185-205): QIYEQLCLFE[Asp195Val]KVATMLQQQY